The following is an entry in ClinVar:

ClinVar aggregate classification (germline): Pathogenic (1 of 4 stars; one submission).

Conditions:
Walker-Warburg congenital muscular dystrophy. Also called: Muscular dystrophy-dystroglycanopathy, type A; Walker-Warburg syndrome. Identifiers: Orphanet 899, MedGen C0265221, MONDO:0000171.
Muscular dystrophy-dystroglycanopathy (congenital with impaired intellectual development), type B, 1. Also called: MUSCULAR DYSTROPHY, CONGENITAL, POMT1-RELATED; Muscular dystrophy-dystroglycanopathy (congenital with intellectual disability), type B1. Identifiers: MedGen C5436962, MONDO:0013159, OMIM 613155.
Autosomal recessive limb-girdle muscular dystrophy type 2K. Also called: MUSCULAR DYSTROPHY-DYSTROGLYCANOPATHY (LIMB-GIRDLE), TYPE C, 1; MUSCULAR DYSTROPHY, LIMB-GIRDLE, TYPE 2K. Identifiers: Orphanet 86812, MedGen C1836373, MONDO:0012248, OMIM 609308.

Allele frequency attached by ClinVar (database versions not stated): gnomAD exomes below 0.00001.

Submission:

Labcorp Genetics (formerly Invitae), Labcorp
Classification: Pathogenic for Muscular dystrophy-dystroglycanopathy (congenital with impaired intellectual development), type B, 1; Walker-Warburg congenital muscular dystrophy; Autosomal recessive limb-girdle muscular dystrophy type 2K. Last evaluated: 2023-02-14. Review status: criteria provided, single submitter. Criteria: Invitae Variant Classification Sherloc (09022015). Collection method: clinical testing. Allele origin: germline.
Comment: For these reasons, this variant has been classified as Pathogenic. This variant has not been reported in the literature in individuals affected with POMT1-related conditions. This variant is not present in population databases (gnomAD no frequency). This sequence change creates a premature translational stop signal (p.Gly3*) in the POMT1 gene. It is expected to result in an absent or disrupted protein product. Loss-of-function variants in POMT1 are known to be pathogenic (PMID: 12369018, 15637732, 16575835).

Literature cited by the submitters: PubMed 12369018; PubMed 15637732; PubMed 16575835.

NM_001077365.2(POMT1):c.7G>T (p.Gly3Ter)

Gene: POMT1 (protein O-mannosyltransferase 1; plus strand). Cytogenetic location: 9q34.13.
Variant type: single nucleotide variant.
Coding change: c.7G>T on transcript NM_001077365.2 (MANE Select); coding-DNA position 7, G replaced by T.
Protein change: p.Gly3Ter; replaces glycine 3 with a stop codon.
Molecular consequence: nonsense. On other transcripts: 5 prime UTR variant (4), non-coding transcript variant (4), intron variant (10).
Genome position (GRCh38, 1-based): chr9:131,504,225, G>T. VCF-style: chr9-131504225-G-T. GRCh37 (hg19) VCF-style: chr9-134379612-G-T.
Other names: c.7G>T, p.Gly3Ter (NM_001136113.2, NM_001353193.2, NM_001353196.2 and 2 more transcripts); c.-238G>T (NM_001353195.2); c.-465G>T (NM_001353198.2); c.-187G>T (NM_001374692.1); c.-145G>T (NM_001374695.1); c.-41+912G>T (NM_001353194.2); c.-72+912G>T (NM_001374691.1); c.-41+1152G>T (NM_001374689.1, NM_001353197.2, NM_001077366.2 and 1 more transcripts); and 3 more; short protein forms G3*.
Identifiers: ClinVar variation 2928655 (VCV002928655.3), dbSNP rs371821873, ClinGen allele CA375305029.